The following is an entry in ClinVar:

ClinVar aggregate classification (germline): Pathogenic (1 of 4 stars; one submission).

Submission:

GeneDx
Classification: Pathogenic. Last evaluated: 2018-02-19. Review status: criteria provided, single submitter. Criteria: GeneDx Variant Classification (06012015). Collection method: clinical testing. Allele origin: germline. Affected: yes.
Comment: The c.12197_12209del13insTGGGA variant has not been published as a pathogenic variant, nor has it been reported as a benign variant to our knowledge. The variant causes a frameshift starting with codon Glycine 4066, changes this amino acid to a Valine residue and creates a premature Stop codon at position 5 of the new reading frame, denoted p.Gly4066ValfsX5. This variant is predicted to cause loss of normal protein function either through protein truncation or nonsense-mediated mRNA decay. The variant is not observed in large population cohorts (Lek et al., 2016). In summary, we consider the variant to be pathogenic.

NM_032119.4(ADGRV1):c.12197_12209delinsTGGGA (p.Gly4066fs)

Gene: ADGRV1 (adhesion G protein-coupled receptor V1; plus strand). Cytogenetic location: 5q14.3.
Variant type: Indel.
Coding change: c.12197_12209delinsTGGGA on transcript NM_032119.4 (MANE Select); coding-DNA positions 12197 to 12209, GAAAAGGAACCGT replaced by TGGGA.
Protein change: p.Gly4066fs; shifts the reading frame from glycine 4066.
Molecular consequence: frameshift variant. On other transcripts: non-coding transcript variant (1).
Genome position (GRCh38, 1-based): chr5:90,763,381-90,763,393, GAAAAGGAACCGT replaced by TGGGA. VCF-style: chr5-90763381-GAAAAGGAACCGT-TGGGA. GRCh37 (hg19) VCF-style: chr5-90059198-GAAAAGGAACCGT-TGGGA.
Other names: short protein forms G4066fs.
Identifiers: ClinVar variation 504392 (VCV000504392.2), dbSNP rs1554107590, ClinGen allele CA658796549.